The following is an entry in ClinVar:

NM_014991.6(WDFY3):c.2557C>G (p.Leu853Val)

Genes: WDFY3 (WD repeat and FYVE domain containing 3; minus strand), WDFY3-AS1 (WDFY3 antisense RNA 1; plus strand). Cytogenetic location: 4q21.23.
Variant type: single nucleotide variant.
Coding change: c.2557C>G on transcript NM_014991.6 (MANE Select); coding-DNA position 2557, C replaced by G.
Protein change: p.Leu853Val; replaces leucine 853 with valine.
Molecular consequence: missense variant. On other transcripts: non-coding transcript variant (1).
Genome position (GRCh38, 1-based): chr4:84,803,340, G>C on the plus strand (C>G on the coding strand, the complement: WDFY3 is on the minus strand). VCF-style: chr4-84803340-G-C. GRCh37 (hg19) VCF-style: chr4-85724493-G-C.
Other names: short protein forms L853V.
Identifiers: ClinVar variation 5008015 (VCV005008015.1).

ClinVar aggregate classification (germline): Uncertain significance (1 of 4 stars; one submission).

Submission:

GeneDx
Classification: Uncertain significance. Last evaluated: 2026-02-25. Review status: criteria provided, single submitter. Criteria: GeneDx Variant Classification Process June 2021. Collection method: clinical testing. Allele origin: germline.
Comment: Not observed at significant frequency in large population cohorts (gnomAD); In silico analysis suggests that this missense variant does not alter protein structure/function; Has not been previously published as pathogenic or benign to our knowledge